The following is an entry in ClinVar:

NM_003054.6(SLC18A2):c.710C>G (p.Pro237Arg)

Gene: SLC18A2 (solute carrier family 18 member A2; plus strand). Cytogenetic location: 10q25.3.
Variant type: single nucleotide variant.
Coding change: c.710C>G on transcript NM_003054.6 (MANE Select); coding-DNA position 710, C replaced by G.
Protein change: p.Pro237Arg; replaces proline 237 with arginine.
Molecular consequence: missense variant.
Genome position (GRCh38, 1-based): chr10:117,255,286, C>G. VCF-style: chr10-117255286-C-G. GRCh37 (hg19) VCF-style: chr10-119014797-C-G.
Other names: p.Pro237Arg; short protein forms P237R.
Identifiers: ClinVar variation 3379993 (VCV003379993.1).
Genomic context (GRCh38, chr10:117,255,286, plus strand): 5'-GGGAGAGGGCATGTGTCCCAGGGGTGGTGTCCCCACTTTCTCTCCCTGCAGTGGGCCCCC[C>G]CTTCGGGAGTGTGCTCTATGAGTTTGTGGGGAAGACGGCTCCGTTCCTGGTGCTGGCCGC-3'
Protein context (NP_003045.2, residues 227-247): GLAMGVLVGP[Pro237Arg]FGSVLYEFVG

ClinVar aggregate classification (germline): Uncertain significance (1 of 4 stars; one submission).

gnomAD v4.1: 9 of 1,614,086 alleles (0.00056%); highest among the groups gnomAD compares: South Asian, 0.0033%; no homozygotes.

Submission:

Mayo Clinic Laboratories, Mayo Clinic
Classification: Uncertain significance. Last evaluated: 2024-06-24. Review status: criteria provided, single submitter. Criteria: ACMG Guidelines, 2015. Collection method: clinical testing. Allele origin: germline. Observed: 1 variant allele.
Comment: PM2, PM5